The following is an entry in ClinVar:

NM_000234.3(LIG1):c.659C>T (p.Pro220Leu)

Gene: LIG1 (DNA ligase 1; minus strand). Cytogenetic location: 19q13.33.
Variant type: single nucleotide variant.
Coding change: c.659C>T on transcript NM_000234.3 (MANE Select); coding-DNA position 659, C replaced by T.
Protein change: p.Pro220Leu; replaces proline 220 with leucine.
Molecular consequence: missense variant. On other transcripts: non-coding transcript variant (6).
Genome position (GRCh38, 1-based): chr19:48,150,126, G>A on the plus strand (C>T on the coding strand, the complement: LIG1 is on the minus strand). VCF-style: chr19-48150126-G-A. GRCh37 (hg19) VCF-style: chr19-48653383-G-A.
Other names: c.566C>T, p.Pro189Leu (NM_001289063.2); c.455C>T, p.Pro152Leu (NM_001289064.2); c.656C>T, p.Pro219Leu (NM_001320970.2); c.569C>T, p.Pro190Leu (NM_001320971.2); short protein forms P152L, P189L, P190L, P219L, P220L.
Identifiers: ClinVar variation 1432049 (VCV001432049.8), dbSNP rs2122835938, ClinGen allele CA406654866.

ClinVar aggregate classification (germline): Uncertain significance (1 of 4 stars; one submission).

Allele frequency attached by ClinVar (database versions not stated): gnomAD exomes below 0.00001.
gnomAD v4.1: 1 of 1,614,210 alleles (0.000062%); highest among the groups gnomAD compares: Non-Finnish European, 0.000085%; no homozygotes.

Submission:

Labcorp Genetics (formerly Invitae), Labcorp
Classification: Uncertain significance. Last evaluated: 2024-10-15. Review status: criteria provided, single submitter. Criteria: Invitae Variant Classification Sherloc (09022015). Collection method: clinical testing. Allele origin: germline.
Comment: This sequence change replaces proline, which is neutral and non-polar, with leucine, which is neutral and non-polar, at codon 220 of the LIG1 protein (p.Pro220Leu). This variant is not present in population databases (gnomAD no frequency). This variant has not been reported in the literature in individuals affected with LIG1-related conditions. ClinVar contains an entry for this variant (Variation ID: 1432049). An algorithm developed to predict the effect of missense changes on protein structure and function outputs the following: PolyPhen-2: "Benign". The leucine amino acid residue is found in multiple mammalian species, which suggests that this missense change does not adversely affect protein function. In summary, the available evidence is currently insufficient to determine the role of this variant in disease. Therefore, it has been classified as a Variant of Uncertain Significance.